The following is an entry in ClinVar:

NM_020223.4(FAM20C):c.754G>A (p.Asp252Asn)

Gene: FAM20C (FAM20C golgi associated secretory pathway kinase; plus strand). Cytogenetic location: 7p22.3.
Variant type: single nucleotide variant.
Coding change: c.754G>A on transcript NM_020223.4 (MANE Select); coding-DNA position 754, G replaced by A.
Protein change: p.Asp252Asn; replaces aspartic acid 252 with asparagine.
Molecular consequence: missense variant.
Genome position (GRCh38, 1-based): chr7:195,702, G>A. VCF-style: chr7-195702-G-A. GRCh37 (hg19) VCF-style: chr7-195702-G-A.
Other names: short protein forms D252N.
Identifiers: ClinVar variation 1723106 (VCV001723106.2), dbSNP rs760049058, ClinGen allele CA4108983.

ClinVar aggregate classification (germline): Uncertain significance (1 of 4 stars; one submission).

Allele frequency attached by ClinVar (database versions not stated): gnomAD exomes below 0.00001; TOPMed below 0.00001; gnomAD 0.00001.
gnomAD v4.1: 7 of 1,609,778 alleles (0.00043%); highest among the groups gnomAD compares: African/African-American, 0.0027%; no homozygotes.

Submission:

GeneDx
Classification: Uncertain significance. Last evaluated: 2022-05-02. Review status: criteria provided, single submitter. Criteria: GeneDx Variant Classification Process June 2021. Collection method: clinical testing. Allele origin: germline. Affected: yes.
Comment: Not observed at significant frequency in large population cohorts (gnomAD); In silico analysis supports that this missense variant has a deleterious effect on protein structure/function; Has not been previously published as pathogenic or benign to our knowledge